The following is an entry in ClinVar:

NM_000090.4(COL3A1):c.3511G>A (p.Glu1171Lys)

Gene: COL3A1 (collagen type III alpha 1 chain; plus strand). Cytogenetic location: 2q32.2.
Variant type: single nucleotide variant.
Coding change: c.3511G>A on transcript NM_000090.4 (MANE Select); coding-DNA position 3511, G replaced by A.
Protein change: p.Glu1171Lys; replaces glutamic acid 1171 with lysine.
Molecular consequence: missense variant.
Genome position (GRCh38, 1-based): chr2:189,008,128, G>A. VCF-style: chr2-189008128-G-A. GRCh37 (hg19) VCF-style: chr2-189872854-G-A.
Other names: short protein forms E1171K.
Identifiers: ClinVar variation 3720390 (VCV003720390.2).

ClinVar aggregate classification (germline): Uncertain significance (1 of 4 stars; one submission).

Conditions:
Ehlers-Danlos syndrome, type 4 (EDSVASC). Also called: Ehlers-Danlos syndrome vascular type; Ehlers Danlos syndrome, ecchymotic type; Ehlers Danlos syndrome, arterial type; Ehlers Danlos syndrome, Sack-Barabas type; Ehlers-Danlos Syndrome Type IV. Identifiers: Orphanet 286, MedGen C0268338, MONDO:0017314, OMIM 130050.

Submission:

Labcorp Genetics (formerly Invitae), Labcorp
Classification: Uncertain significance for Ehlers-Danlos syndrome, type 4. Last evaluated: 2024-11-19. Review status: criteria provided, single submitter. Criteria: Invitae Variant Classification Sherloc (09022015). Collection method: clinical testing. Allele origin: germline.
Comment: This sequence change replaces glutamic acid, which is acidic and polar, with lysine, which is basic and polar, at codon 1171 of the COL3A1 protein (p.Glu1171Lys). This variant is not present in population databases (gnomAD no frequency). This missense change has been observed in individuals with Ehlers-Danlos syndrome (PMID: 25758994, 27011056, 30837697). Invitae Evidence Modeling of protein sequence and biophysical properties (such as structural, functional, and spatial information, amino acid conservation, physicochemical variation, residue mobility, and thermodynamic stability) has been performed for this missense variant. However, the output from this modeling did not meet the statistical confidence thresholds required to predict the impact of this variant on COL3A1 protein function. In summary, the available evidence is currently insufficient to determine the role of this variant in disease. Therefore, it has been classified as a Variant of Uncertain Significance.

Literature cited by the submitters: PubMed 25758994; PubMed 27011056; PubMed 30837697.